The following is an entry in ClinVar:

ClinVar aggregate classification (germline): Uncertain significance (1 of 4 stars; one submission).

Conditions:
Hereditary cancer-predisposing syndrome. Also called: Neoplastic Syndromes, Hereditary; Tumor predisposition; Hereditary Cancer Syndrome; Hereditary neoplastic syndrome. Identifiers: Orphanet 140162, MedGen C0027672, MeSH D009386, MONDO:0015356.

Allele frequency attached by ClinVar (database versions not stated): gnomAD exomes below 0.00001; ExAC 0.00001.
gnomAD v4.1: 1 of 1,610,800 alleles (0.000062%); highest among the groups gnomAD compares: Admixed American, 0.0017%; no homozygotes.

Submission:

Ambry Genetics
Classification: Uncertain significance for Hereditary cancer-predisposing syndrome. Last evaluated: 2024-10-17. Review status: criteria provided, single submitter. Criteria: Ambry Variant Classification Scheme 2023. Collection method: clinical testing. Allele origin: germline.
Comment: The p.K21N variant (also known as c.63G>C), located in coding exon 2 of the PMS2 gene, results from a G to C substitution at nucleotide position 63. The lysine at codon 21 is replaced by asparagine, an amino acid with similar properties. This amino acid position is not well conserved in available vertebrate species. In addition, this alteration is predicted to be tolerated by in silico analysis. Based on the available evidence, the clinical significance of this variant remains unclear.

NM_000535.7(PMS2):c.63G>C (p.Lys21Asn)

Gene: PMS2 (PMS1 homolog 2, mismatch repair system component; minus strand). Cytogenetic location: 7p22.1.
Variant type: single nucleotide variant.
Coding change: c.63G>C on transcript NM_000535.7 (MANE Select); coding-DNA position 63, G replaced by C.
Protein change: p.Lys21Asn; replaces lysine 21 with asparagine.
Molecular consequence: missense variant. On other transcripts: 5 prime UTR variant (8), non-coding transcript variant (1), intron variant (3).
Genome position (GRCh38, 1-based): chr7:6,005,992, C>G on the plus strand (G>C on the coding strand, the complement: PMS2 is on the minus strand). VCF-style: chr7-6005992-C-G. GRCh37 (hg19) VCF-style: chr7-6045623-C-G.
Other names: c.-343G>C (NM_001018040.1, NM_001322003.2, NM_001322005.2 and 11 more transcripts); c.63G>C, p.Lys21Asn (NM_001322006.2, NM_001322014.2, NM_001406868.1 and 10 more transcripts); c.-153G>C (NM_001322007.2, NM_001406876.1, NM_001406883.1 and 4 more transcripts); c.-822G>C (NM_001322011.2, NM_001322012.2); c.-422G>C (NM_001322015.2, NM_001406875.1, NM_001406877.1 and 2 more transcripts); c.249G>C, p.Lys83Asn (NM_001406866.1); c.-369G>C (NM_001406880.1); c.-290G>C (NM_001406888.1, NM_001406889.1, NM_001406892.1 and 5 more transcripts); and 4 more; short protein forms K21N, K83N.
Identifiers: ClinVar variation 1753325 (VCV001753325.3), dbSNP rs772643900, ClinGen allele CA050731.